The following is an entry in ClinVar:

NM_199420.4(POLQ):c.2535A>G (p.Ala845=)

Gene: POLQ (DNA polymerase theta; minus strand). Cytogenetic location: 3q13.33.
Variant type: single nucleotide variant.
Coding change: c.2535A>G on transcript NM_199420.4 (MANE Select); coding-DNA position 2535, A replaced by G.
Protein change: p.Ala845=; no amino-acid change (alanine 845 retained).
Molecular consequence: synonymous variant.
Genome position (GRCh38, 1-based): chr3:121,490,396, T>C on the plus strand (A>G on the coding strand, the complement: POLQ is on the minus strand). VCF-style: chr3-121490396-T-C. GRCh37 (hg19) VCF-style: chr3-121209243-T-C.
Identifiers: ClinVar variation 1792748 (VCV001792748.26), dbSNP rs141214608, ClinGen allele CA2563217.

ClinVar aggregate classification (germline): Likely benign. Review status: criteria provided, multiple submitters, no conflicts (2 of 4 stars). 2 submissions from 2 submitters: Likely benign (2). Last evaluated 2023-01-01.

Allele frequency attached by ClinVar (database versions not stated): ExAC 0.00002; TOPMed 0.00002; gnomAD exomes 0.00003; gnomAD 0.00005; ESP Exome Variant Server 0.00008.
gnomAD v4.1: 57 of 1,613,812 alleles (0.0035%); highest among the groups gnomAD compares: African/African-American, 0.0067%; no homozygotes.

Submissions (2):

CeGaT Center for Human Genetics Tuebingen
Classification: Likely benign. Last evaluated: 2023-01-01. Review status: criteria provided, single submitter. Criteria: CeGaT Center For Human Genetics Tuebingen Variant Classification Criteria Version 2. Collection method: clinical testing. Allele origin: germline. Affected: yes. Observed: 1 variant allele.
Comment: POLQ: BP4, BP7

Ambry Genetics
Classification: Likely benign. Last evaluated: 2022-03-02. Review status: criteria provided, single submitter. Criteria: Ambry Variant Classification Scheme 2023. Collection method: clinical testing. Allele origin: germline.